The following is an entry in ClinVar:

NM_001353345.2(SETD1B):c.5857C>T (p.Pro1953Ser)

Gene: SETD1B (SET domain containing 1B, histone lysine methyltransferase; plus strand). Cytogenetic location: 12q24.31.
Variant type: single nucleotide variant.
Coding change: c.5857C>T on transcript NM_001353345.2 (MANE Select); coding-DNA position 5857, C replaced by T.
Protein change: p.Pro1953Ser; replaces proline 1953 with serine.
Molecular consequence: missense variant.
Genome position (GRCh38, 1-based): chr12:121,830,195, C>T. VCF-style: chr12-121830195-C-T. GRCh37 (hg19) VCF-style: chr12-122268101-C-T.
Other names: short protein forms P1953S.
Identifiers: ClinVar variation 5009840 (VCV005009840.1).

ClinVar aggregate classification (germline): Uncertain significance (1 of 4 stars; one submission).

Submission:

GeneDx
Classification: Uncertain significance. Last evaluated: 2026-02-19. Review status: criteria provided, single submitter. Criteria: GeneDx Variant Classification Process June 2021. Collection method: clinical testing. Allele origin: germline.
Comment: Not observed at significant frequency in large population cohorts (gnomAD); In silico analysis supports that this missense variant has a deleterious effect on protein structure/function; Has not been previously published as pathogenic or benign to our knowledge